The following is an entry in ClinVar:

ClinVar aggregate classification (germline): Conflicting classifications of pathogenicity. Review status: criteria provided, conflicting classifications (1 of 4 stars). 3 submissions from 3 submitters: Likely pathogenic (1); Uncertain significance (2). Last evaluated 2023-05-20.

Conditions:
Syndromic X-linked intellectual disability 94 (MRXSW). Also called: MENTAL RETARDATION, X-LINKED, SYNDROMIC 29; X-linked intellectual disability due to GRIA3 anomalies. Identifiers: Orphanet 364028, MedGen C2678051, MONDO:0010402, OMIM 300699.
Neurodevelopmental disorder. Identifiers: MedGen C1535926, MeSH D065886, MONDO:0700092.

Submissions (3):

Neuberg Centre For Genomic Medicine, NCGM
Classification: Uncertain significance for Syndromic X-linked intellectual disability 94. Last evaluated: 2023-05-20. Review status: criteria provided, single submitter. Criteria: ACMG Guidelines, 2015. Collection method: clinical testing. Allele origin: germline. Inheritance: X-linked recessive inheritance. Affected: yes.
Comment: The observed missense variant c.2408G>A (p.Gly803Glu) in GRIA3 gene has not been reported previously as a pathogenic variant nor as a benign variant, to our knowledge. The p.Gly803Glu variant is absent in gnomAD Exomes database. This variant has been submitted to the ClinVar database as Likely Pathogenic (no details available for independent assessment) / Uncertain Significance. Multiple lines of computational evidence (SIFT - damaging; Polyphen - probably damaging; MutationTaster - disease causing) predict a damaging effect on protein structure and function for this variant. The amino acid change p.Gly803Glu in GRIA3 is predicted as conserved by GERP++ and PhyloP across 100 vertebrates. The amino acid Gly at position 803 is changed to a Glu changing protein sequence and it might alter its composition and physico-chemical properties. Additional studies will be required to prove the pathogenicity of this variant. For these reasons, this variant has been classified as a Variant of Uncertain Significance (VUS).

Laboratory of Molecular Genetics (Pr. Bezieau's lab), CHU de Nantes
Classification: Likely pathogenic for Neurodevelopmental disorder. Last evaluated: 2021-03-29. Review status: criteria provided, single submitter. Criteria: ACMG Guidelines, 2015. Collection method: clinical testing. Allele origin: germline. Affected: yes.

Baylor Genetics
Classification: Uncertain significance for Syndromic X-linked intellectual disability 94. Last evaluated: 2017-09-01. Review status: criteria provided, single submitter. Criteria: ACMG Guidelines, 2015. Collection method: clinical testing. Allele origin: de novo. Inheritance: X-linked inheritance. Affected: yes.

Literature cited by the submitters: PubMed 25326635 (cited by Baylor Genetics).

NM_007325.5(GRIA3):c.2408G>A (p.Gly803Glu)

Gene: GRIA3 (glutamate ionotropic receptor AMPA type subunit 3; plus strand). Cytogenetic location: Xq25.
Variant type: single nucleotide variant.
Coding change: c.2408G>A on transcript NM_007325.5 (MANE Select); coding-DNA position 2408, G replaced by A.
Protein change: p.Gly803Glu; replaces glycine 803 with glutamic acid.
Molecular consequence: missense variant. On other transcripts: intron variant (1).
Genome position (GRCh38, 1-based): chrX:123,480,146, G>A. VCF-style: chrX-123480146-G-A. GRCh37 (hg19) VCF-style: chrX-122613997-G-A.
Other names: c.2440-2653G>A (NM_000828.5); short protein forms G803E.
Identifiers: ClinVar variation 561019 (VCV000561019.4), dbSNP rs1569442989, ClinGen allele CA414255669.